The following is an entry in ClinVar:

NM_000179.3(MSH6):c.1594dup (p.Ser532fs)

Gene: MSH6 (mutS homolog 6; plus strand). Cytogenetic location: 2p16.3.
Variant type: Duplication.
Coding change: c.1594dup on transcript NM_000179.3 (MANE Select); coding-DNA position 1594, one base duplicated (T; older notation c.1594dupT).
Protein change: p.Ser532fs; shifts the reading frame from serine 532.
Molecular consequence: frameshift variant. On other transcripts: non-coding transcript variant (4), intron variant (1).
Genome position (GRCh38, 1-based): chr2:47,799,577, T duplicated. VCF-style (leftmost placement, unchanged base first): chr2-47799576-C-CT. GRCh37 (hg19) VCF-style: chr2-48026715-C-CT.
Other names: c.1204dup, p.Ser402fs (NM_001281492.2); c.688dup, p.Ser230fs (NM_001281493.2, NM_001281494.2, NM_001406811.1 and 6 more transcripts); c.1690dup, p.Ser564fs (NM_001406795.1, NM_001406802.1); c.1594dup, p.Ser532fs (NM_001406796.1, NM_001406798.1, NM_001406800.1 and 4 more transcripts); c.1297dup, p.Ser433fs (NM_001406797.1, NM_001406801.1, NM_001406805.1 and 10 more transcripts); c.1069dup, p.Ser357fs (NM_001406799.1, NM_001406806.1, NM_001406807.1); c.1516dup, p.Ser506fs (NM_001406804.1); c.1600dup, p.Ser534fs (NM_001406813.1); and 2 more; short protein forms S230fs, S357fs, S402fs, S433fs, S476fs, S506fs, S532fs, S534fs.
Identifiers: ClinVar variation 2673673 (VCV002673673.1), dbSNP rs2530618418, ClinGen allele CA2695200600.

ClinVar aggregate classification (germline): Pathogenic (1 of 4 stars; one submission).

Conditions:
Lynch syndrome 5 (LYNCH5). Also called: Colorectal cancer, hereditary nonpolyposis, type 5; Hereditary non-polyposis colorectal cancer, type 5. Identifiers: Orphanet 144, MedGen C1833477, MONDO:0013710, OMIM 614350. Disease mechanism: loss of function.

Submission:

Myriad Genetics, Inc.
Classification: Pathogenic for Lynch syndrome 5. Last evaluated: 2023-08-15. Review status: criteria provided, single submitter. Criteria: Myriad Autosomal Dominant, Autosomal Recessive and X-Linked Classification Criteria (2023). Collection method: clinical testing. Allele origin: unknown.
Comment: This variant is considered pathogenic. This variant creates a frameshift predicted to result in premature protein truncation.